The following is an entry in ClinVar:

NM_000369.5(TSHR):c.1524G>A (p.Ser508=)

Genes: TSHR (thyroid stimulating hormone receptor; plus strand), TSHR-AS1 (TSHR antisense RNA 1; minus strand). Cytogenetic location: 14q31.1.
Variant type: single nucleotide variant.
Coding change: c.1524G>A on transcript NM_000369.5 (MANE Select); coding-DNA position 1524, G replaced by A.
Protein change: p.Ser508=; no amino-acid change (serine 508 retained).
Molecular consequence: synonymous variant.
Genome position (GRCh38, 1-based): chr14:81,143,582, G>A. VCF-style: chr14-81143582-G-A. GRCh37 (hg19) VCF-style: chr14-81609926-G-A.
Identifiers: ClinVar variation 2644431 (VCV002644431.28), dbSNP rs148477562, ClinGen allele CA7294469.

ClinVar aggregate classification (germline): Likely benign. Review status: criteria provided, multiple submitters, no conflicts (2 of 4 stars). 3 submissions from 3 submitters: Likely benign (2). 1 of the submissions does not count toward it. Last evaluated 2024-02-23.

Conditions:
TSHR-related disorder. Also called: TSHR-related condition; TSHR-related disorders.

Allele frequency attached by ClinVar (database versions not stated): gnomAD exomes 0.00003; ExAC 0.00012; gnomAD 0.00027; TOPMed 0.00027; ESP Exome Variant Server 0.00038; 1000 Genomes Project 0.00040; 1000 Genomes Project 30x 0.00047.
gnomAD v4.1: 78 of 1,613,306 alleles (0.0048%); highest among the groups gnomAD compares: African/African-American, 0.081%; no homozygotes.

Submissions (3):

Labcorp Genetics (formerly Invitae), Labcorp
Classification: Likely benign. Last evaluated: 2024-02-23. Review status: criteria provided, single submitter. Criteria: Invitae Variant Classification Sherloc (09022015). Collection method: clinical testing. Allele origin: germline.

CeGaT Center for Human Genetics Tuebingen
Classification: Likely benign. Last evaluated: 2022-04-01. Review status: criteria provided, single submitter. Criteria: CeGaT Center For Human Genetics Tuebingen Variant Classification Criteria Version 2. Collection method: clinical testing. Allele origin: germline. Affected: yes. Observed: 1 variant allele.
Comment: TSHR: BP4, BP7

PreventionGenetics, part of Exact Sciences
Classification: Likely benign for TSHR-related condition. Last evaluated: 2019-03-25. Review status: no assertion criteria provided. Collection method: clinical testing. Allele origin: germline. Not counted in ClinVar's aggregate classification.
Comment: This variant is classified as likely benign based on ACMG/AMP sequence variant interpretation guidelines (Richards et al. 2015 PMID: 25741868, with internal and published modifications).